The following is an entry in ClinVar:

NM_003748.4(ALDH4A1):c.1134C>T (p.Gly378=)

Gene: ALDH4A1 (aldehyde dehydrogenase 4 family member A1; minus strand). Cytogenetic location: 1p36.13.
Variant type: single nucleotide variant.
Coding change: c.1134C>T on transcript NM_003748.4 (MANE Select); coding-DNA position 1134, C replaced by T.
Protein change: p.Gly378=; no amino-acid change (glycine 378 retained).
Molecular consequence: synonymous variant.
Genome position (GRCh38, 1-based): chr1:18,877,419, G>A on the plus strand (C>T on the coding strand, the complement: ALDH4A1 is on the minus strand). VCF-style: chr1-18877419-G-A. GRCh37 (hg19) VCF-style: chr1-19203913-G-A.
Other names: c.954C>T, p.Gly318= (NM_001161504.2); c.1134C>T, p.Gly378= (NM_001319218.2, NM_170726.3).
Identifiers: ClinVar variation 2079565 (VCV002079565.4), dbSNP rs747212428, ClinGen allele CA647071.

ClinVar aggregate classification (germline): Uncertain significance (1 of 4 stars; one submission).

Conditions:
Hyperprolinemia type 2 (HYRPRO2). Also called: 1-PYRROLINE-5-CARBOXYLATE DEHYDROGENASE DEFICIENCY; Delta-1-pyrroline-5-carboxylate dehydrogenase deficiency; Deficiency of pyrroline-5-carboxylate reductase. Identifiers: Orphanet 79101, MedGen C2931835, MONDO:0009401, OMIM 239510.

Allele frequency attached by ClinVar (database versions not stated): TOPMed 0.00004.
gnomAD v4.1: 21 of 1,569,190 alleles (0.0013%); highest among the groups gnomAD compares: Admixed American, 0.0018%; no homozygotes.

Submission:

Labcorp Genetics (formerly Invitae), Labcorp
Classification: Uncertain significance for Hyperprolinemia type 2. Last evaluated: 2022-07-29. Review status: criteria provided, single submitter. Criteria: Invitae Variant Classification Sherloc (09022015). Collection method: clinical testing. Allele origin: germline.
Comment: This sequence change affects codon 378 of the ALDH4A1 mRNA. It is a 'silent' change, meaning that it does not change the encoded amino acid sequence of the ALDH4A1 protein. The frequency data for this variant in the population databases is considered unreliable, as metrics indicate poor data quality at this position in the gnomAD database. This variant has not been reported in the literature in individuals affected with ALDH4A1-related conditions. Algorithms developed to predict the effect of sequence changes on RNA splicing suggest that this variant may create or strengthen a splice site. In summary, the available evidence is currently insufficient to determine the role of this variant in disease. Therefore, it has been classified as a Variant of Uncertain Significance.